The following is an entry in ClinVar:

ClinVar aggregate classification (germline): Benign/Likely benign. Review status: criteria provided, multiple submitters, no conflicts (2 of 4 stars). 7 submissions from 7 submitters: Benign (2); Likely benign (4). 1 of the submissions does not count toward it. Last evaluated 2026-06-01.

Conditions:
Glycogen storage disease type X (GSD10). Also called: GSD X; Dimauro disease; MYOPATHY DUE TO PHOSPHOGLYCERATE MUTASE DEFICIENCY; PGAMM DEFICIENCY; PHOSPHOGLYCERATE MUTASE, MUSCLE, DEFICIENCY OF; Glycogen storage disease due to phosphoglycerate mutase deficiency. Identifiers: Orphanet 97234, MedGen C0268149, MONDO:0009865, OMIM 261670.

Allele frequency attached by ClinVar (database versions not stated): 1000 Genomes Project 30x 0.00203; 1000 Genomes Project 0.00220; TOPMed 0.00354; ESP Exome Variant Server 0.00361; gnomAD 0.00378 and 0.00382; gnomAD exomes 0.00409; ExAC 0.00426.
gnomAD v4.1: 7,551 of 1,614,054 alleles (0.47%); highest among the groups gnomAD compares: Middle Eastern, 2.6%; 33 homozygotes.

Submissions (7):

CeGaT Center for Human Genetics Tuebingen
Classification: Likely benign. Last evaluated: 2026-06-01. Review status: criteria provided, single submitter. Criteria: CeGaT Center For Human Genetics Tuebingen Variant Classification Criteria Version 2. Collection method: clinical testing. Allele origin: germline. Affected: yes. Observed: 12 variant alleles.
Comment: PGAM2: BP4, BP7, BS2

Labcorp Genetics (formerly Invitae), Labcorp
Classification: Benign for Glycogen storage disease type X. Last evaluated: 2026-02-04. Review status: criteria provided, single submitter. Criteria: Invitae Variant Classification Sherloc (09022015). Collection method: clinical testing. Allele origin: germline.

ARUP Laboratories, Molecular Genetics and Genomics, ARUP Laboratories
Classification: Likely benign for Glycogen storage disease type X. Last evaluated: 2025-02-10. Review status: criteria provided, single submitter. Criteria: ARUP Molecular Germline Variant Investigation Process 2024. Collection method: clinical testing. Allele origin: germline.

GeneDx
Classification: Benign. Last evaluated: 2020-11-15. Review status: criteria provided, single submitter. Criteria: GeneDx Variant Classification Process June 2021. Collection method: clinical testing. Allele origin: germline. Affected: yes.

Illumina Laboratory Services, Illumina
Classification: Likely benign for Glycogen storage disease type X. Last evaluated: 2018-01-13. Review status: criteria provided, single submitter. Criteria: ICSL Variant Classification Criteria 13 December 2019. Collection method: clinical testing. Allele origin: germline.
Comment: This variant was observed in the ICSL laboratory as part of a predisposition screen in an ostensibly healthy population. It had not been previously curated by ICSL or reported in the Human Gene Mutation Database (HGMD: prior to June 1st, 2018), and was therefore a candidate for classification through an automated scoring system. Utilizing variant allele frequency, disease prevalence and penetrance estimates, and inheritance mode, an automated score was calculated to assess if this variant is too frequent to cause the disease. Based on the score and internal cut-off values, a variant classified as likely benign is not then subjected to further curation. The score for this variant resulted in a classification of likely benign for this disease.

Breakthrough Genomics
Classification: Likely benign. Review status: criteria provided, single submitter. Criteria: ACMG Guidelines, 2015. Collection method: not provided. Allele origin: germline. Inheritance: Autosomal recessive inheritance. Affected: yes.

Mayo Clinic Laboratories, Mayo Clinic
Classification: Likely benign. Last evaluated: 2017-04-12. Review status: no assertion criteria provided. Collection method: clinical testing. Allele origin: unknown. Not counted in ClinVar's aggregate classification.

NM_000290.4(PGAM2):c.375G>A (p.Pro125=)

Genes: PGAM2 (phosphoglycerate mutase 2; minus strand), DBNL (drebrin like; plus strand), LOC129998342 (ATAC-STARR-seq lymphoblastoid active region 25925; plus strand). Cytogenetic location: 7p13.
Variant type: single nucleotide variant.
Coding change: c.375G>A on transcript NM_000290.4 (MANE Select); coding-DNA position 375, G replaced by A.
Protein change: p.Pro125=; no amino-acid change (proline 125 retained).
Molecular consequence: synonymous variant. On other transcripts: 3 prime UTR variant (6).
Genome position (GRCh38, 1-based): chr7:44,065,155, C>T on the plus strand (G>A on the coding strand, the complement: PGAM2 is on the minus strand). VCF-style: chr7-44065155-C-T. GRCh37 (hg19) VCF-style: chr7-44104754-C-T.
Other names: c.*4239C>T (NM_001014436.3, NM_001122956.2, NM_001284313.2 and 3 more transcripts).
Identifiers: ClinVar variation 360274 (VCV000360274.57), dbSNP rs145985559, ClinGen allele CA4236600.